The following is an entry in ClinVar:

NM_001942.4(DSG1):c.256C>T (p.Arg86Cys)

Gene: DSG1 (desmoglein 1; plus strand). Cytogenetic location: 18q12.1.
Variant type: single nucleotide variant.
Coding change: c.256C>T on transcript NM_001942.4 (MANE Select); coding-DNA position 256, C replaced by T.
Protein change: p.Arg86Cys; replaces arginine 86 with cysteine.
Molecular consequence: missense variant.
Genome position (GRCh38, 1-based): chr18:31,328,228, C>T. VCF-style: chr18-31328228-C-T. GRCh37 (hg19) VCF-style: chr18-28908191-C-T.
Other names: short protein forms R86C.
Identifiers: ClinVar variation 1473170 (VCV001473170.8), dbSNP rs761748106, ClinGen allele CA8925803.

ClinVar aggregate classification (germline): Uncertain significance (1 of 4 stars; one submission).

Allele frequency attached by ClinVar (database versions not stated): gnomAD exomes below 0.00001 and 0.00001; ExAC 0.00001; TOPMed 0.00002.

Submission:

Labcorp Genetics (formerly Invitae), Labcorp
Classification: Uncertain significance. Last evaluated: 2022-08-16. Review status: criteria provided, single submitter. Criteria: Invitae Variant Classification Sherloc (09022015). Collection method: clinical testing. Allele origin: germline.
Comment: In summary, the available evidence is currently insufficient to determine the role of this variant in disease. Therefore, it has been classified as a Variant of Uncertain Significance. Algorithms developed to predict the effect of missense changes on protein structure and function are either unavailable or do not agree on the potential impact of this missense change (SIFT: "Deleterious"; PolyPhen-2: "Probably Damaging"; Align-GVGD: "Class C0"). ClinVar contains an entry for this variant (Variation ID: 1473170). This variant has not been reported in the literature in individuals affected with DSG1-related conditions. This variant is present in population databases (rs761748106, gnomAD 0.006%). This sequence change replaces arginine, which is basic and polar, with cysteine, which is neutral and slightly polar, at codon 86 of the DSG1 protein (p.Arg86Cys).